The following is an entry in ClinVar:

NM_000400.4(ERCC2):c.284A>G (p.Glu95Gly)

Gene: ERCC2 (ERCC excision repair 2, TFIIH core complex helicase subunit; minus strand). Cytogenetic location: 19q13.32.
Variant type: single nucleotide variant.
Coding change: c.284A>G on transcript NM_000400.4 (MANE Select); coding-DNA position 284, A replaced by G.
Protein change: p.Glu95Gly; replaces glutamic acid 95 with glycine.
Molecular consequence: missense variant.
Genome position (GRCh38, 1-based): chr19:45,368,706, T>C on the plus strand (A>G on the coding strand, the complement: ERCC2 is on the minus strand). VCF-style: chr19-45368706-T-C. GRCh37 (hg19) VCF-style: chr19-45871964-T-C.
Other names: c.212A>G, p.Glu71Gly (NM_001130867.2); short protein forms E95G, E71G.
Identifiers: ClinVar variation 134112 (VCV000134112.37), dbSNP rs571718677, ClinGen allele CA158803.

ClinVar aggregate classification (germline): Benign/Likely benign. Review status: criteria provided, multiple submitters, no conflicts (2 of 4 stars). 7 submissions from 7 submitters: Benign (1); Likely benign (3). 3 of the submissions do not count toward it. Last evaluated 2026-09-01.

Conditions:
Trichothiodystrophy 1, photosensitive (TTD1). Also called: TAY SYNDROME; TRICHOTHIODYSTROPHY WITH CONGENITAL ICHTHYOSIS; PIBIDS SYNDROME. Identifiers: Orphanet 33364, MedGen C1866504, MONDO:0011125, OMIM 601675.
Xeroderma pigmentosum, group D (XPD). Also called: XERODERMA PIGMENTOSUM, COMPLEMENTATION GROUP D; XERODERMA PIGMENTOSUM IV; XP, GROUP D; XP, GROUP H; ERCC2-Related Xeroderma Pigmentosum. Identifiers: MedGen C0268138, MONDO:0010212, OMIM 278730.
Cerebrooculofacioskeletal syndrome 2 (COFS2). Identifiers: MedGen C1853102, MONDO:0012553, OMIM 610756.
Xeroderma pigmentosum (XP). Identifiers: Orphanet 910, MedGen C0043346, MONDO:0019600.

Allele frequency attached by ClinVar (database versions not stated): gnomAD 0.00001 and 0.00031; TOPMed 0.00008; gnomAD exomes 0.00056 and 0.00118; ExAC 0.00139; 1000 Genomes Project 0.00260; 1000 Genomes Project 30x 0.00265.
gnomAD v4.1: 867 of 1,614,046 alleles (0.054%); highest among the groups gnomAD compares: South Asian, 0.89%; 15 homozygotes.

Submissions (7):

CeGaT Center for Human Genetics Tuebingen
Classification: Likely benign. Last evaluated: 2026-09-01. Review status: criteria provided, single submitter. Criteria: CeGaT Center For Human Genetics Tuebingen Variant Classification Criteria Version 2. Collection method: clinical testing. Allele origin: germline. Affected: yes. Observed: 5 variant alleles.
Comment: ERCC2: BS2

Labcorp Genetics (formerly Invitae), Labcorp
Classification: Benign. Last evaluated: 2026-01-28. Review status: criteria provided, single submitter. Criteria: Invitae Variant Classification Sherloc (09022015). Collection method: clinical testing. Allele origin: germline.

Fulgent Genetics
Classification: Likely benign for Xeroderma pigmentosum, group D; Trichothiodystrophy 1, photosensitive; Cerebrooculofacioskeletal syndrome 2. Last evaluated: 2022-05-13. Review status: criteria provided, single submitter. Criteria: ACMG Guidelines, 2015. Collection method: clinical testing. Allele origin: unknown.

Sema4
Classification: Likely benign for Xeroderma pigmentosum. Last evaluated: 2021-04-01. Review status: criteria provided, single submitter. Criteria: Sema4 Curation Guidelines. Collection method: curation. Allele origin: germline.

ITMI
No classification provided. Condition: AllHighlyPenetrant. Last evaluated: 2013-09-19. Review status: no classification provided. Collection method: reference population. Allele origin: germline. Not counted in ClinVar's aggregate classification.
Comment: Please see associated publication for description of ethnicities

Clinical Genetics DNA and cytogenetics Diagnostics Lab, Erasmus MC, Erasmus Medical Center
Classification: Benign. Review status: no assertion criteria provided. Collection method: clinical testing. Allele origin: germline. Affected: yes. Study: VKGL Data-share Consensus. Not counted in ClinVar's aggregate classification.

Laboratory of Diagnostic Genome Analysis, Leiden University Medical Center (LUMC)
Classification: Likely benign. Review status: no assertion criteria provided. Collection method: clinical testing. Allele origin: germline. Affected: yes. Study: VKGL Data-share Consensus. Not counted in ClinVar's aggregate classification.

Literature cited by the submitters: PubMed 24728327 (cited by ITMI).